The following is an entry in ClinVar:

NM_003235.5(TG):c.4506T>C (p.Ala1502=)

Gene: TG (thyroglobulin; plus strand). Cytogenetic location: 8q24.22.
Variant type: single nucleotide variant.
Coding change: c.4506T>C on transcript NM_003235.5 (MANE Select); coding-DNA position 4506, T replaced by C.
Protein change: p.Ala1502=; no amino-acid change (alanine 1502 retained).
Molecular consequence: synonymous variant.
Genome position (GRCh38, 1-based): chr8:132,919,503, T>C. VCF-style: chr8-132919503-T-C. GRCh37 (hg19) VCF-style: chr8-133931748-T-C.
Identifiers: ClinVar variation 258994 (VCV000258994.20), dbSNP rs853304, ClinGen allele CA4884144.

ClinVar aggregate classification (germline): Benign/Likely benign. Review status: criteria provided, multiple submitters, no conflicts (2 of 4 stars). 9 submissions from 9 submitters: Benign (6); Likely benign (1). 2 of the submissions do not count toward it. Last evaluated 2026-05-08.

Conditions:
Iodotyrosyl coupling defect (TDH3). Also called: HYPOTHYROIDISM, CONGENITAL, DUE TO DYSHORMONOGENESIS, 3; THYROID HORMONOGENESIS, GENETIC DEFECT IN, 3. Identifiers: Orphanet 95716, MedGen C0342194, MONDO:0010135, OMIM 274700.

Allele frequency attached by ClinVar (database versions not stated): 1000 Genomes Project 0.47384; 1000 Genomes Project 30x 0.47580; TOPMed 0.53729; ESP Exome Variant Server 0.53990; gnomAD 0.54952 and 0.55069; ExAC 0.59147; gnomAD exomes 0.59462 and 0.60756.
gnomAD v4.1: 969,735 of 1,613,638 alleles (60%); highest among the groups gnomAD compares: Admixed American, 66%; 296,104 homozygotes.

Submissions (9):

Women's Health and Genetics/Laboratory Corporation of America, LabCorp
Classification: Benign. Last evaluated: 2026-05-08. Review status: criteria provided, single submitter. Criteria: LabCorp Variant Classification Summary - May 2015. Collection method: clinical testing. Allele origin: germline.

Labcorp Genetics (formerly Invitae), Labcorp
Classification: Benign. Last evaluated: 2026-02-04. Review status: criteria provided, single submitter. Criteria: Invitae Variant Classification Sherloc (09022015). Collection method: clinical testing. Allele origin: germline.

Blueprint Genetics
Classification: Likely benign. Last evaluated: 2024-11-27. Review status: criteria provided, single submitter. Criteria: ACMG Guidelines, 2015. Collection method: clinical testing. Allele origin: germline.

Genome-Nilou Lab
Classification: Benign for Iodotyrosyl coupling defect. Last evaluated: 2021-09-10. Review status: criteria provided, single submitter. Criteria: ACMG Guidelines, 2015. Collection method: clinical testing. Allele origin: germline. Affected: no.

Illumina Laboratory Services, Illumina
Classification: Benign for Iodotyrosyl coupling defect. Last evaluated: 2018-01-13. Review status: criteria provided, single submitter. Criteria: ICSL Variant Classification Criteria 13 December 2019. Collection method: clinical testing. Allele origin: germline.
Comment: This variant was observed in the ICSL laboratory as part of a predisposition screen in an ostensibly healthy population. It had not been previously curated by ICSL or reported in the Human Gene Mutation Database (HGMD: prior to June 1st, 2018), and was therefore a candidate for classification through an automated scoring system. Utilizing variant allele frequency, disease prevalence and penetrance estimates, and inheritance mode, an automated score was calculated to assess if this variant is too frequent to cause the disease. Based on the score and internal cut-off values, a variant classified as benign is not then subjected to further curation. The score for this variant resulted in a classification of benign for this disease.

Breakthrough Genomics
Classification: Benign. Review status: criteria provided, single submitter. Criteria: ACMG Guidelines, 2015. Collection method: not provided. Allele origin: germline. Inheritance: Autosomal recessive inheritance. Affected: yes.

PreventionGenetics, part of Exact Sciences
Classification: Benign. Review status: criteria provided, single submitter. Criteria: ACMG Guidelines, 2015. Collection method: clinical testing. Allele origin: germline.

Clinical Genetics, Academic Medical Center
Classification: Benign. Review status: no assertion criteria provided. Collection method: clinical testing. Allele origin: germline. Affected: yes. Study: VKGL Data-share Consensus. Not counted in ClinVar's aggregate classification.

Diagnostic Laboratory, Department of Genetics, University Medical Center Groningen
Classification: Benign. Review status: no assertion criteria provided. Collection method: clinical testing. Allele origin: germline. Affected: yes. Study: VKGL Data-share Consensus. Not counted in ClinVar's aggregate classification.